The following is an entry in ClinVar:

NM_001130144.3(LTBP3):c.3820G>A (p.Val1274Met)

Gene: LTBP3 (latent transforming growth factor beta binding protein 3; minus strand). Cytogenetic location: 11q13.1.
Variant type: single nucleotide variant.
Coding change: c.3820G>A on transcript NM_001130144.3 (MANE Select); coding-DNA position 3820, G replaced by A.
Protein change: p.Val1274Met; replaces valine 1274 with methionine.
Molecular consequence: missense variant.
Genome position (GRCh38, 1-based): chr11:65,539,172, C>T on the plus strand (G>A on the coding strand, the complement: LTBP3 is on the minus strand). VCF-style: chr11-65539172-C-T. GRCh37 (hg19) VCF-style: chr11-65306643-C-T.
Other names: c.3820G>A (NM_001130144.2); c.3328G>A, p.Val1110Met (NM_001164266.1); c.3679G>A, p.Val1227Met (NM_021070.4); short protein forms V1274M, V1110M, V1227M.
Identifiers: ClinVar variation 2143950 (VCV002143950.6), dbSNP rs1458708400, ClinGen allele CA381265943.

ClinVar aggregate classification (germline): Uncertain significance. Review status: criteria provided, multiple submitters, no conflicts (2 of 4 stars). 2 submissions from 2 submitters: Uncertain significance (2). Last evaluated 2025-11-25.

Conditions:
Inborn genetic diseases. Identifiers: MedGen C0950123, MeSH D030342.
Brachyolmia-amelogenesis imperfecta syndrome. Also called: PLATYSPONDYLY WITH AMELOGENESIS IMPERFECTA; Tooth agenesis, selective, 6; Dental anomalies and short stature. Identifiers: Orphanet 2899, MedGen C1832594, MONDO:0011018, OMIM 601216. Disease mechanism: loss of function.

Allele frequency attached by ClinVar (database versions not stated): TOPMed below 0.00001; gnomAD 0.00001.
gnomAD v4.1: 8 of 1,509,190 alleles (0.00053%); highest among the groups gnomAD compares: Admixed American, 0.0021%; no homozygotes.

Submissions (2):

Labcorp Genetics (formerly Invitae), Labcorp
Classification: Uncertain significance for Brachyolmia-amelogenesis imperfecta syndrome. Last evaluated: 2025-11-25. Review status: criteria provided, single submitter. Criteria: Invitae Variant Classification Sherloc (09022015). Collection method: clinical testing. Allele origin: germline.
Comment: This sequence change replaces valine, which is neutral and non-polar, with methionine, which is neutral and non-polar, at codon 1274 of the LTBP3 protein (p.Val1274Met). The frequency data for this variant in the population databases is considered unreliable, as metrics indicate poor data quality at this position in the gnomAD database. This variant has not been reported in the literature in individuals affected with LTBP3-related conditions. ClinVar contains an entry for this variant (Variation ID: 2143950). An algorithm developed to predict the effect of missense changes on protein structure and function (PolyPhen-2) suggests that this variant is likely to be disruptive. In summary, the available evidence is currently insufficient to determine the role of this variant in disease. Therefore, it has been classified as a Variant of Uncertain Significance.

Ambry Genetics
Classification: Uncertain significance for Inborn genetic diseases. Last evaluated: 2023-07-23. Review status: criteria provided, single submitter. Criteria: Ambry Variant Classification Scheme 2023. Collection method: clinical testing. Allele origin: germline.
Comment: The p.V1274M variant (also known as c.3820G>A), located in coding exon 28 of the LTBP3 gene, results from a G to A substitution at nucleotide position 3820. The valine at codon 1274 is replaced by methionine, an amino acid with highly similar properties. This amino acid position is conserved. In addition, the in silico prediction for this alteration is inconclusive. Since supporting evidence is limited at this time, the clinical significance of this alteration remains unclear.